The following is an entry in ClinVar:

NM_018136.5(ASPM):c.8524C>T (p.Arg2842Trp)

Gene: ASPM (assembly factor for spindle microtubules; minus strand). Cytogenetic location: 1q31.3.
Variant type: single nucleotide variant.
Coding change: c.8524C>T on transcript NM_018136.5 (MANE Select); coding-DNA position 8524, C replaced by T.
Protein change: p.Arg2842Trp; replaces arginine 2842 with tryptophan.
Molecular consequence: missense variant. On other transcripts: intron variant (1).
Genome position (GRCh38, 1-based): chr1:197,100,727, G>A on the plus strand (C>T on the coding strand, the complement: ASPM is on the minus strand). VCF-style: chr1-197100727-G-A. GRCh37 (hg19) VCF-style: chr1-197069857-G-A.
Other names: c.4066-4563C>T (NM_001206846.2); short protein forms R2842W.
Identifiers: ClinVar variation 157896 (VCV000157896.16), dbSNP rs112946633, ClinGen allele CA271129.

ClinVar aggregate classification (germline): Conflicting classifications of pathogenicity. Review status: criteria provided, conflicting classifications (1 of 4 stars). 6 submissions from 6 submitters: Uncertain significance (5); Likely benign (1). Last evaluated 2026-08-19.

Conditions:
ASPM-related disorder. Also called: ASPM-related condition.
Inborn genetic diseases. Identifiers: MedGen C0950123, MeSH D030342.
Microcephaly 5, primary, autosomal recessive (MCPH5). Also called: ASPM Primary Microcephaly. Identifiers: Orphanet 2512, MedGen C1837501, MONDO:0012106, OMIM 608716.

Allele frequency attached by ClinVar (database versions not stated): gnomAD exomes 0.00003 and 0.00004; ExAC 0.00004; gnomAD 0.00011; TOPMed 0.00012; ESP Exome Variant Server 0.00015; 1000 Genomes Project 30x 0.00016; 1000 Genomes Project 0.00020.
gnomAD v4.1: 84 of 1,612,432 alleles (0.0052%); highest among the groups gnomAD compares: African/African-American, 0.048%; no homozygotes.

Submissions (6):

PreventionGenetics, part of Exact Sciences
Classification: Uncertain significance for ASPM-related condition. Last evaluated: 2026-08-19. Review status: criteria provided, single submitter. Criteria: ACMG Guidelines, 2015. Collection method: clinical testing. Allele origin: germline.
Comment: The ASPM c.8524C>T variant is predicted to result in the amino acid substitution p.Arg2842Trp. This variant was reported with a second variant in this gene in an individual with microcephaly (Tan et al. 2014. PubMed ID: 23611254). This variant is reported in 0.023% of alleles in individuals of Latino descent in gnomAD. At this time, the clinical significance of this variant is uncertain due to the absence of conclusive functional and genetic evidence.

Ambry Genetics
Classification: Uncertain significance for Inborn genetic diseases. Last evaluated: 2026-06-08. Review status: criteria provided, single submitter. Criteria: Ambry Variant Classification Scheme 2023. Collection method: clinical testing. Allele origin: germline.
Comment: The c.8524C>T (p.R2842W) alteration is located in exon 18 (coding exon 18) of the ASPM gene. This alteration results from a C to T substitution at nucleotide position 8524, causing the arginine (R) at amino acid position 2842 to be replaced by a tryptophan (W). Based on data from gnomAD, the T allele has an overall frequency of 0.004% (12/280800) total alleles studied. The highest observed frequency was 0.023% (8/35214) of Latino alleles. Based on insufficient or conflicting evidence, the clinical significance of this alteration remains unclear.

Labcorp Genetics (formerly Invitae), Labcorp
Classification: Uncertain significance. Last evaluated: 2024-12-17. Review status: criteria provided, single submitter. Criteria: Invitae Variant Classification Sherloc (09022015). Collection method: clinical testing. Allele origin: germline.
Comment: This sequence change replaces arginine, which is basic and polar, with tryptophan, which is neutral and slightly polar, at codon 2842 of the ASPM protein (p.Arg2842Trp). This variant is present in population databases (rs112946633, gnomAD 0.02%). This missense change has been observed in individual(s) with clinical features of primary autosomal recessive microcephaly (PMID: 23611254). ClinVar contains an entry for this variant (Variation ID: 157896). An algorithm developed to predict the effect of missense changes on protein structure and function (PolyPhen-2) suggests that this variant is likely to be disruptive. In summary, the available evidence is currently insufficient to determine the role of this variant in disease. Therefore, it has been classified as a Variant of Uncertain Significance.

3billion
Classification: Likely benign for Microcephaly 5, primary, autosomal recessive. Last evaluated: 2024-09-20. Review status: criteria provided, single submitter. Criteria: ACMG Guidelines, 2015. Collection method: clinical testing. Allele origin: germline. Affected: no.
Comment: The homozygous variant was found in patients diagnosed with another variant in a different gene, with no symptoms related to the gene containing the homozygous variant.

Genome-Nilou Lab
Classification: Uncertain significance for Microcephaly 5, primary, autosomal recessive. Last evaluated: 2023-04-11. Review status: criteria provided, single submitter. Criteria: ACMG Guidelines, 2015. Collection method: clinical testing. Allele origin: germline. Affected: no.

Genetic Services Laboratory, University of Chicago
Classification: Uncertain significance for Microcephaly 5, primary, autosomal recessive. Last evaluated: 2013-02-08. Review status: criteria provided, single submitter. Criteria: ACMG Guidelines, 2007. Collection method: clinical testing. Allele origin: germline. Inheritance: Autosomal recessive inheritance.

Literature cited by the submitters: PubMed 23611254 (cited by Ambry Genetics and Labcorp Genetics (formerly Invitae), Labcorp); PubMed 28252636 (cited by Ambry Genetics).